The following is an entry in ClinVar:

NM_001159699.2(FHL1):c.865T>G (p.Cys289Gly)

Gene: FHL1 (four and a half LIM domains 1; plus strand). Cytogenetic location: Xq26.3.
Variant type: single nucleotide variant.
Coding change: c.865T>G on transcript NM_001159699.2 (MANE Select); coding-DNA position 865, T replaced by G.
Protein change: p.Cys289Gly; replaces cysteine 289 with glycine.
Molecular consequence: missense variant. On other transcripts: 3 prime UTR variant (6), non-coding transcript variant (1).
Genome position (GRCh38, 1-based): chrX:136,209,999, T>G. VCF-style: chrX-136209999-T-G. GRCh37 (hg19) VCF-style: chrX-135292158-T-G.
Other names: c.817T>G, p.Cys273Gly (NM_001159700.2, NM_001159704.1, NM_001167819.1 and 4 more transcripts); c.904T>G, p.Cys302Gly (NM_001159701.2); c.*45T>G (NM_001159702.3, NM_001159703.2, NM_001330659.2 and 3 more transcripts); short protein forms C273G, C289G, C302G.
Identifiers: ClinVar variation 960605 (VCV000960605.3), dbSNP rs2073967346, ClinGen allele CA414609906.

ClinVar aggregate classification (germline): Uncertain significance (1 of 4 stars; one submission).

Conditions:
X-linked myopathy with postural muscle atrophy. Also called: FHL1-Related Emery-Dreifuss Muscular Dystrophy, X-Linked. Identifiers: Orphanet 178461, MedGen C2678055, MONDO:0010401, OMIM 300696.

Submission:

Labcorp Genetics (formerly Invitae), Labcorp
Classification: Uncertain significance for X-linked myopathy with postural muscle atrophy. Last evaluated: 2024-04-09. Review status: criteria provided, single submitter. Criteria: Invitae Variant Classification Sherloc (09022015). Collection method: clinical testing. Allele origin: germline.
Comment: This sequence change replaces cysteine, which is neutral and slightly polar, with glycine, which is neutral and non-polar, at codon 273 of the FHL1 protein (p.Cys273Gly). This variant is not present in population databases (gnomAD no frequency). This variant has not been reported in the literature in individuals affected with FHL1-related conditions. ClinVar contains an entry for this variant (Variation ID: 960605). An algorithm developed to predict the effect of missense changes on protein structure and function (PolyPhen-2) suggests that this variant is likely to be disruptive. Algorithms developed to predict the effect of sequence changes on RNA splicing suggest that this variant may create or strengthen a splice site. In summary, the available evidence is currently insufficient to determine the role of this variant in disease. Therefore, it has been classified as a Variant of Uncertain Significance.